The following is an entry in ClinVar:

NM_000350.3(ABCA4):c.4581C>G (p.Asp1527Glu)

Gene: ABCA4 (ATP binding cassette subfamily A member 4; minus strand). Cytogenetic location: 1p22.1.
Variant type: single nucleotide variant.
Coding change: c.4581C>G on transcript NM_000350.3 (MANE Select); coding-DNA position 4581, C replaced by G.
Protein change: p.Asp1527Glu; replaces aspartic acid 1527 with glutamic acid.
Molecular consequence: missense variant.
Genome position (GRCh38, 1-based): chr1:94,025,007, G>C on the plus strand (C>G on the coding strand, the complement: ABCA4 is on the minus strand). VCF-style: chr1-94025007-G-C. GRCh37 (hg19) VCF-style: chr1-94490563-G-C.
Other names: c.4359C>G, p.Asp1453Glu (NM_001425324.1); short protein forms D1527E, D1453E.
Identifiers: ClinVar variation 2098022 (VCV002098022.1), dbSNP rs1475557615, ClinGen allele CA341284668.
Genomic context (GRCh38, chr1:94,025,007, plus strand): 5'-TTCTTACCTGCTTCTTATAAGAGCAGGATACGTTTTTACCAAGAAGTCGGAGATGTTCCT[G>C]TCCGTCAGGTCTTGTAGAATTTCCGTGCTGCGCTGTGTTCTCTGAGGCAATGAGACACCC-3'
Protein context (NP_000341.2, residues 1517-1537): RSTEILQDLT[Asp1527Glu]RNISDFLVKT

ClinVar aggregate classification (germline): Uncertain significance (1 of 4 stars; one submission).

gnomAD v4.1: 5 of 1,614,166 alleles (0.00031%); highest among the groups gnomAD compares: South Asian, 0.0055%; 2 homozygotes.

Submission:

Labcorp Genetics (formerly Invitae), Labcorp
Classification: Uncertain significance. Last evaluated: 2022-02-27. Review status: criteria provided, single submitter. Criteria: Invitae Variant Classification Sherloc (09022015). Collection method: clinical testing. Allele origin: germline.
Comment: This sequence change replaces aspartic acid, which is acidic and polar, with glutamic acid, which is acidic and polar, at codon 1527 of the ABCA4 protein (p.Asp1527Glu). This variant is not present in population databases (gnomAD no frequency). This variant has not been reported in the literature in individuals affected with ABCA4-related conditions. Advanced modeling of protein sequence and biophysical properties (such as structural, functional, and spatial information, amino acid conservation, physicochemical variation, residue mobility, and thermodynamic stability) performed at Invitae indicates that this missense variant is not expected to disrupt ABCA4 protein function. In summary, the available evidence is currently insufficient to determine the role of this variant in disease. Therefore, it has been classified as a Variant of Uncertain Significance.